The following is an entry in ClinVar:

ClinVar aggregate classification (germline): Uncertain significance (1 of 4 stars; one submission).

Allele frequency attached by ClinVar (database versions not stated): gnomAD exomes below 0.00001; gnomAD 0.00001; TOPMed 0.00001; ExAC 0.00002.

Submission:

Labcorp Genetics (formerly Invitae), Labcorp
Classification: Uncertain significance. Last evaluated: 2023-03-14. Review status: criteria provided, single submitter. Criteria: Invitae Variant Classification Sherloc (09022015). Collection method: clinical testing. Allele origin: germline.
Comment: This sequence change replaces arginine, which is basic and polar, with cysteine, which is neutral and slightly polar, at codon 282 of the RELB protein (p.Arg282Cys). This variant is present in population databases (rs773189407, gnomAD 0.01%). This variant has not been reported in the literature in individuals affected with RELB-related conditions. Algorithms developed to predict the effect of missense changes on protein structure and function output the following: SIFT: "Not Available"; PolyPhen-2: "Benign"; Align-GVGD: "Not Available". The cysteine amino acid residue is found in multiple mammalian species, which suggests that this missense change does not adversely affect protein function. In summary, the available evidence is currently insufficient to determine the role of this variant in disease. Therefore, it has been classified as a Variant of Uncertain Significance.

NM_006509.4(RELB):c.844C>T (p.Arg282Cys)

Gene: RELB (RELB proto-oncogene, NF-kB subunit; plus strand). Cytogenetic location: 19q13.32.
Variant type: single nucleotide variant.
Coding change: c.844C>T on transcript NM_006509.4 (MANE Select); coding-DNA position 844, C replaced by T.
Protein change: p.Arg282Cys; replaces arginine 282 with cysteine.
Molecular consequence: missense variant.
Genome position (GRCh38, 1-based): chr19:45,025,695, C>T. VCF-style: chr19-45025695-C-T. GRCh37 (hg19) VCF-style: chr19-45528953-C-T.
Other names: c.835C>T, p.Arg279Cys (NM_001411087.1); short protein forms R282C, R279C.
Identifiers: ClinVar variation 2981672 (VCV002981672.3), dbSNP rs773189407, ClinGen allele CA9507664.
Genomic context (GRCh38, chr19:45,025,695, plus strand): 5'-GACATGAATGTGGTGAGGATCTGCTTCCAGGCCTCATATCGGGACCAGCAGGGACAGATG[C>T]GCCGGATGGATCCTGTGCTTTCCGAGCCCGTCTATGACAAGAGTGAGTTGAGAGTGCTGT-3'
Protein context (NP_006500.2, residues 272-292): ASYRDQQGQM[Arg282Cys]RMDPVLSEPV